The following is an entry in ClinVar:

NM_015570.4(AUTS2):c.2335G>T (p.Asp779Tyr)

Gene: AUTS2 (activator of transcription and developmental regulator AUTS2; plus strand). Cytogenetic location: 7q11.22.
Variant type: single nucleotide variant.
Coding change: c.2335G>T on transcript NM_015570.4 (MANE Select); coding-DNA position 2335, G replaced by T.
Protein change: p.Asp779Tyr; replaces aspartic acid 779 with tyrosine.
Molecular consequence: missense variant.
Genome position (GRCh38, 1-based): chr7:70,787,235, G>T. VCF-style: chr7-70787235-G-T. GRCh37 (hg19) VCF-style: chr7-70252221-G-T.
Other names: c.2263G>T, p.Asp755Tyr (NM_001127231.3); short protein forms D755Y, D779Y.
Identifiers: ClinVar variation 3781283 (VCV003781283.1).

ClinVar aggregate classification (germline): Uncertain significance (1 of 4 stars; one submission).

Submission:

GeneDx
Classification: Uncertain significance. Last evaluated: 2024-10-18. Review status: criteria provided, single submitter. Criteria: GeneDx Variant Classification Process June 2021. Collection method: clinical testing. Allele origin: germline. Affected: yes.
Comment: Not observed at significant frequency in large population cohorts (gnomAD); In silico analysis supports that this missense variant has a deleterious effect on protein structure/function; Has not been previously published as pathogenic or benign to our knowledge